The following is an entry in ClinVar:

NM_001374353.1(GLI2):c.1490A>C (p.Tyr497Ser)

Gene: GLI2 (GLI family zinc finger 2; plus strand). Cytogenetic location: 2q14.2.
Variant type: single nucleotide variant.
Coding change: c.1490A>C on transcript NM_001374353.1 (MANE Select); coding-DNA position 1490, A replaced by C.
Protein change: p.Tyr497Ser; replaces tyrosine 497 with serine.
Molecular consequence: missense variant.
Genome position (GRCh38, 1-based): chr2:120,982,738, A>C. VCF-style: chr2-120982738-A-C. GRCh37 (hg19) VCF-style: chr2-121740314-A-C.
Other names: c.1541A>C, p.Tyr514Ser (NM_001371271.1, NM_005270.5); c.1115A>C, p.Tyr372Ser (NM_001374354.1); short protein forms Y514S, Y372S, Y497S.
Identifiers: ClinVar variation 475118 (VCV000475118.11), dbSNP rs1553477146, ClinGen allele CA348161971.

ClinVar aggregate classification (germline): Uncertain significance. Review status: criteria provided, multiple submitters, no conflicts (2 of 4 stars). 3 submissions from 3 submitters: Uncertain significance (3). Last evaluated 2024-08-04.

Conditions:
Postaxial polydactyly-anterior pituitary anomalies-facial dysmorphism syndrome. Also called: Culler-Jones syndrome. Identifiers: Orphanet 420584, MedGen C4014479, MONDO:0014369, OMIM 615849.
Holoprosencephaly 9 (HPE9). Also called: HOLOPROSENCEPHALY WITH MICROPHTHALMIA AND FIRST BRANCHIAL ARCH ANOMALIES; PITUITARY ANOMALIES WITH HOLOPROSENCEPHALY-LIKE FEATURES. Identifiers: Orphanet 2162, MedGen C1835819, MONDO:0012563, OMIM 610829.
Inborn genetic diseases. Identifiers: MedGen C0950123, MeSH D030342.

Submissions (3):

Ambry Genetics
Classification: Uncertain significance for Inborn genetic diseases. Last evaluated: 2024-08-04. Review status: criteria provided, single submitter. Criteria: Ambry Variant Classification Scheme 2023. Collection method: clinical testing. Allele origin: germline.

GeneDx
Classification: Uncertain significance. Last evaluated: 2021-12-06. Review status: criteria provided, single submitter. Criteria: GeneDx Variant Classification Process June 2021. Collection method: clinical testing. Allele origin: germline. Affected: yes.
Comment: Not observed at significant frequency in large population cohorts (gnomAD); In silico analysis supports that this missense variant has a deleterious effect on protein structure/function; Has not been previously published as pathogenic or benign to our knowledge

Labcorp Genetics (formerly Invitae), Labcorp
Classification: Uncertain significance for Postaxial polydactyly-anterior pituitary anomalies-facial dysmorphism syndrome; Holoprosencephaly 9. Last evaluated: 2017-05-31. Review status: criteria provided, single submitter. Criteria: Invitae Variant Classification Sherloc (09022015). Collection method: clinical testing. Allele origin: germline.
Comment: In summary, this variant has uncertain impact on GLI2 function. The available evidence is currently insufficient to determine its role in disease. Therefore, it has been classified as a Variant of Uncertain Significance. Algorithms developed to predict the effect of missense changes on protein structure and function do not agree on the potential impact of this missense change (SIFT: "Deleterious"; PolyPhen-2: "Probably Damaging"; Align-GVGD: "Class C0"). This suggests that the variant is not likely a primary cause of disease. This variant is not present in population databases (ExAC no frequency). This sequence change replaces tyrosine with serine at codon 514 of the GLI2 protein (p.Tyr514Ser). The tyrosine residue is highly conserved and there is a large physicochemical difference between tyrosine and serine.